The following is an entry in ClinVar:

NM_020207.7(ERCC6L2):c.289C>T (p.Arg97Ter)

Gene: ERCC6L2 (ERCC excision repair 6 like 2; plus strand). Cytogenetic location: 9q22.32.
Variant type: single nucleotide variant.
Coding change: c.289C>T on transcript NM_020207.7 (MANE Select); coding-DNA position 289, C replaced by T.
Protein change: p.Arg97Ter; replaces arginine 97 with a stop codon.
Molecular consequence: nonsense. On other transcripts: non-coding transcript variant (1).
Genome position (GRCh38, 1-based): chr9:95,881,111, C>T. VCF-style: chr9-95881111-C-T. GRCh37 (hg19) VCF-style: chr9-98643393-C-T.
Other names: c.289C>T, p.Arg97Ter (NM_001010895.4, NM_001375291.1, NM_001375292.1 and 2 more transcripts); short protein forms R97*.
Identifiers: ClinVar variation 4765712 (VCV004765712.3).

ClinVar aggregate classification (germline): Pathogenic. Review status: criteria provided, multiple submitters, no conflicts (2 of 4 stars). 2 submissions from 2 submitters: Pathogenic (2). Last evaluated 2025-11-23.

Conditions:
Pancytopenia-developmental delay syndrome. Also called: Bone marrow failure syndrome 2. Identifiers: Orphanet 401764, MedGen C3810350, MONDO:0014317, OMIM 615715.

gnomAD v4.1: 23 of 1,613,196 alleles (0.0014%); highest among the groups gnomAD compares: African/African-American, 0.0027%; no homozygotes.

Submissions (2):

Labcorp Genetics (formerly Invitae), Labcorp
Classification: Pathogenic. Last evaluated: 2025-11-23. Review status: criteria provided, single submitter. Criteria: Invitae Variant Classification Sherloc (09022015). Collection method: clinical testing. Allele origin: germline.
Comment: This sequence change creates a premature translational stop signal (p.Arg108*) in the ERCC6L2 gene. It is expected to result in an absent or disrupted protein product. Loss-of-function variants in ERCC6L2 are known to be pathogenic (PMID: 24507776, 27185855, 29146883, 29987015). This variant is present in population databases (rs779856407, gnomAD 0.005%). This variant has not been reported in the literature in individuals affected with ERCC6L2-related conditions. For these reasons, this variant has been classified as Pathogenic.

Juno Genomics, Hangzhou Juno Genomics, Inc
Classification: Pathogenic for Pancytopenia-developmental delay syndrome. Review status: criteria provided, single submitter. Criteria: ACMG Guidelines, 2015. Collection method: clinical testing. Allele origin: germline.
Comment: Absent from controls (or at extremely low frequency if recessive) in Genome Aggregation Database.;Null variant in a gene where loss of function (LOF) is a known mechanism of disease.;For recessive disorders, detected in trans with a pathogenic variant.

Literature cited by the submitters: PubMed 24507776 (cited by Labcorp Genetics (formerly Invitae), Labcorp); PubMed 27185855 (cited by Labcorp Genetics (formerly Invitae), Labcorp); PubMed 29146883 (cited by Labcorp Genetics (formerly Invitae), Labcorp); PubMed 29987015 (cited by Labcorp Genetics (formerly Invitae), Labcorp).